The following is an entry in ClinVar:

NM_001376.5(DYNC1H1):c.2458A>G (p.Ile820Val)

Gene: DYNC1H1 (dynein cytoplasmic 1 heavy chain 1; plus strand). Cytogenetic location: 14q32.31.
Variant type: single nucleotide variant.
Coding change: c.2458A>G on transcript NM_001376.5 (MANE Select); coding-DNA position 2458, A replaced by G.
Protein change: p.Ile820Val; replaces isoleucine 820 with valine.
Molecular consequence: missense variant.
Genome position (GRCh38, 1-based): chr14:101,986,683, A>G. VCF-style: chr14-101986683-A-G. GRCh37 (hg19) VCF-style: chr14-102453020-A-G.
Other names: short protein forms I820V.
Identifiers: ClinVar variation 3700999 (VCV003700999.2).

ClinVar aggregate classification (germline): Uncertain significance (1 of 4 stars; one submission).

Conditions:
Charcot-Marie-Tooth disease axonal type 2O. Also called: CHARCOT-MARIE-TOOTH NEUROPATHY, AXONAL, TYPE 2O; CHARCOT-MARIE-TOOTH DISEASE, AXONAL, AUTOSOMAL DOMINANT, TYPE 2O; Charcot-Marie-Tooth Neuropathy Type 2O; Charcot-Marie-Tooth disease, axonal, type 20. Identifiers: Orphanet 284232, MedGen C3280220, MONDO:0013644, OMIM 614228.

gnomAD v4.1: 2 of 1,614,170 alleles (0.00012%); highest among the groups gnomAD compares: Non-Finnish European, 0.00017%; no homozygotes.

Submission:

Labcorp Genetics (formerly Invitae), Labcorp
Classification: Uncertain significance for Charcot-Marie-Tooth disease axonal type 2O. Last evaluated: 2024-03-21. Review status: criteria provided, single submitter. Criteria: Invitae Variant Classification Sherloc (09022015). Collection method: clinical testing. Allele origin: germline.
Comment: This sequence change replaces isoleucine, which is neutral and non-polar, with valine, which is neutral and non-polar, at codon 820 of the DYNC1H1 protein (p.Ile820Val). This variant is not present in population databases (gnomAD no frequency). This variant has not been reported in the literature in individuals affected with DYNC1H1-related conditions. Advanced modeling of protein sequence and biophysical properties (such as structural, functional, and spatial information, amino acid conservation, physicochemical variation, residue mobility, and thermodynamic stability) performed at Invitae indicates that this missense variant is not expected to disrupt DYNC1H1 protein function with a negative predictive value of 95%. In summary, the available evidence is currently insufficient to determine the role of this variant in disease. Therefore, it has been classified as a Variant of Uncertain Significance.